The following is an entry in ClinVar:

NM_001267550.2(TTN):c.36231G>A (p.Pro12077=)

Gene: TTN (titin; minus strand). Cytogenetic location: 2q31.2.
Variant type: single nucleotide variant.
Coding change: c.36231G>A on transcript NM_001267550.2 (MANE Select); coding-DNA position 36231, G replaced by A.
Protein change: p.Pro12077=; no amino-acid change (proline 12077 retained).
Molecular consequence: synonymous variant. On other transcripts: intron variant (5).
Genome position (GRCh38, 1-based): chr2:178,664,509, C>T on the plus strand (G>A on the coding strand, the complement: TTN is on the minus strand). VCF-style: chr2-178664509-C-T. GRCh37 (hg19) VCF-style: chr2-179529236-C-T.
Other names: c.13283-22192G>A (NM_003319.4); c.13859-22192G>A (NM_133437.4); c.13658-22192G>A (NM_133432.3); c.31484-1454G>A (NM_133378.4); c.34265-1454G>A (NM_001256850.1).
Identifiers: ClinVar variation 699419 (VCV000699419.44), dbSNP rs367771375, ClinGen allele CA1997599.

ClinVar aggregate classification (germline): Likely benign. Review status: criteria provided, multiple submitters, no conflicts (2 of 4 stars). 4 submissions from 4 submitters: Likely benign (3). 1 of the submissions does not count toward it. Last evaluated 2026-01-16.

Conditions:
TTN-related disorder. Also called: TTN-related disorders; TTN-related condition; TTN-related disease.
Autosomal recessive limb-girdle muscular dystrophy type 2J (LGMDR10). Also called: Limb-girdle muscular dystrophy, type 2J; MUSCULAR DYSTROPHY, LIMB-GIRDLE, AUTOSOMAL RECESSIVE 10. Identifiers: Orphanet 140922, MedGen C1837342, MONDO:0012127, OMIM 608807.
Dilated cardiomyopathy 1G (CMD1G). Identifiers: Orphanet 154, MedGen C1858763, MONDO:0011400, OMIM 604145.

Allele frequency attached by ClinVar (database versions not stated): ExAC 0.00003; gnomAD 0.00003; gnomAD exomes 0.00003 and 0.00007; TOPMed 0.00005; ESP Exome Variant Server 0.00017.
gnomAD v4.1: 114 of 1,612,074 alleles (0.0071%); highest among the groups gnomAD compares: Non-Finnish European, 0.0078%; no homozygotes.

Submissions (4):

Labcorp Genetics (formerly Invitae), Labcorp
Classification: Likely benign for Dilated cardiomyopathy 1G; Autosomal recessive limb-girdle muscular dystrophy type 2J. Last evaluated: 2026-01-16. Review status: criteria provided, single submitter. Criteria: Invitae Variant Classification Sherloc (09022015). Collection method: clinical testing. Allele origin: germline.

Blueprint Genetics
Classification: Likely benign. Last evaluated: 2022-03-16. Review status: criteria provided, single submitter. Criteria: ACMG Guidelines, 2015. Collection method: clinical testing. Allele origin: germline.

CeGaT Center for Human Genetics Tuebingen
Classification: Likely benign. Last evaluated: 2022-02-01. Review status: criteria provided, single submitter. Criteria: CeGaT Center For Human Genetics Tuebingen Variant Classification Criteria Version 2. Collection method: clinical testing. Allele origin: germline. Affected: yes. Observed: 1 variant allele.

PreventionGenetics, part of Exact Sciences
Classification: Likely benign for TTN-related condition. Last evaluated: 2019-09-30. Review status: no assertion criteria provided. Collection method: clinical testing. Allele origin: germline. Not counted in ClinVar's aggregate classification.
Comment: This variant is classified as likely benign based on ACMG/AMP sequence variant interpretation guidelines (Richards et al. 2015 PMID: 25741868, with internal and published modifications).